The following is an entry in ClinVar:

ClinVar aggregate classification (germline): Uncertain significance (1 of 4 stars; one submission).

Conditions:
Hereditary cancer-predisposing syndrome. Also called: Neoplastic Syndromes, Hereditary; Tumor predisposition; Hereditary Cancer Syndrome; Hereditary neoplastic syndrome. Identifiers: Orphanet 140162, MedGen C0027672, MeSH D009386, MONDO:0015356.

Submission:

Ambry Genetics
Classification: Uncertain significance for Hereditary cancer-predisposing syndrome. Last evaluated: 2025-10-14. Review status: criteria provided, single submitter. Criteria: Ambry Variant Classification Scheme 2023. Collection method: clinical testing. Allele origin: germline.
Comment: The c.1453+3A>G intronic variant results from an A to G substitution 3 nucleotides after coding exon 9 in the MSH3 gene. This nucleotide position is highly conserved in available vertebrate species. In silico splice site analysis predicts that this alteration will not have any significant effect on splicing. Based on the available evidence, the clinical significance of this variant remains unclear.

NM_002439.5(MSH3):c.1453+3A>G

Gene: MSH3 (mutS homolog 3; plus strand). Cytogenetic location: 5q14.1.
Variant type: single nucleotide variant.
Coding change: c.1453+3A>G on transcript NM_002439.5 (MANE Select); 3 bases into the intron after coding-DNA position 1453, A replaced by G.
Molecular consequence: intron variant.
Genome position (GRCh38, 1-based): chr5:80,725,568, A>G. VCF-style: chr5-80725568-A-G. GRCh37 (hg19) VCF-style: chr5-80021387-A-G.
Identifiers: ClinVar variation 4654479 (VCV004654479.1).
Genomic context (GRCh38, chr5:80,725,568, plus strand): 5'-AGCCATGCTTTCCAGGCAGTTACAGAGTTTTATGCAAAAGATACAGTTGACATCAAAGGT[A>G]AATATTTTCCCTGTATGTCCTCAAGTTGAACTGATTTGAAATTTGGATAAAGGTATTAGT-3'